The following is an entry in ClinVar:

NM_000186.4(CFH):c.3625T>A (p.Ser1209Thr)

Gene: CFH (complement factor H; plus strand). Cytogenetic location: 1q31.3.
Variant type: single nucleotide variant.
Coding change: c.3625T>A on transcript NM_000186.4 (MANE Select); coding-DNA position 3625, T replaced by A.
Protein change: p.Ser1209Thr; replaces serine 1209 with threonine.
Molecular consequence: missense variant.
Genome position (GRCh38, 1-based): chr1:196,747,242, T>A. VCF-style: chr1-196747242-T-A. GRCh37 (hg19) VCF-style: chr1-196716372-T-A.
Other names: short protein forms S1209T.
Identifiers: ClinVar variation 1284464 (VCV001284464.4), dbSNP rs561146868, ClinGen allele CA1305991.

ClinVar aggregate classification (germline): Uncertain significance. Review status: criteria provided, single submitter (1 of 4 stars). 3 submissions from 3 submitters: Uncertain significance (1). 2 of the submissions do not count toward it. Last evaluated 2025-10-02.

Conditions:
Atypical hemolytic-uremic syndrome. Identifiers: Orphanet 2134, MedGen C2931788, MONDO:0016244.

Allele frequency attached by ClinVar (database versions not stated): gnomAD exomes below 0.00001; TOPMed below 0.00001; ExAC 0.00001; gnomAD 0.00003; 1000 Genomes Project 30x 0.00016; 1000 Genomes Project 0.00020.
gnomAD v4.1: 12 of 1,614,010 alleles (0.00074%); highest among the groups gnomAD compares: African/African-American, 0.012%; no homozygotes.

Submissions (3):

Genomenon, Inc
Classification: Uncertain significance for Atypical hemolytic-uremic syndrome. Last evaluated: 2025-10-02. Review status: criteria provided, single submitter. Criteria: Genomenon Sequence Variant Interpretation Standards - Updated. Collection method: curation. Allele origin: germline. Affected: yes.
Comment: CFH p.Ser1209Thr (c.3625T>A) is a missense variant that changes the amino acid at residue 1209 from Serine to Threonine. This variant has been observed in at least one proband affected with atypical hemolytic uremic syndrome (PMID:37744338). It is absent or not present at a significant frequency in gnomAD. In silico models agree that this variant is not damaging. In conclusion, we classify CFH p.Ser1209Thr (c.3625T>A) as a variant of uncertain significance.

Clinical Genetics DNA and cytogenetics Diagnostics Lab, Erasmus MC, Erasmus Medical Center
Classification: Likely benign. Review status: no assertion criteria provided. Collection method: clinical testing. Allele origin: germline. Affected: yes. Study: VKGL Data-share Consensus. Not counted in ClinVar's aggregate classification.

Clinical Genetics, Academic Medical Center
Classification: Likely benign. Review status: no assertion criteria provided. Collection method: clinical testing. Allele origin: germline. Affected: yes. Study: VKGL Data-share Consensus. Not counted in ClinVar's aggregate classification.

Literature cited by the submitters: PubMed 37744338 (cited by Genomenon, Inc).